The following is an entry in ClinVar:

ClinVar aggregate classification (germline): Uncertain significance. Review status: criteria provided, multiple submitters, no conflicts (2 of 4 stars). 3 submissions from 3 submitters: Uncertain significance (2). 1 of the submissions does not count toward it. Last evaluated 2023-06-30.

Conditions:
BBS1-related disorder. Also called: BBS1-related condition.
Bardet-Biedl syndrome 1 (BBS1). Identifiers: MedGen C2936862, MONDO:0008854, OMIM 209900. Disease mechanism: loss of function.
Bardet-Biedl syndrome (BBS). Identifiers: Orphanet 110, MedGen C0752166, MONDO:0015229.

Allele frequency attached by ClinVar (database versions not stated): gnomAD 0.00001; TOPMed 0.00001; gnomAD exomes 0.00002 and 0.00003; ExAC 0.00004; ESP Exome Variant Server 0.00008.
gnomAD v4.1: 49 of 1,600,580 alleles (0.0031%); highest among the groups gnomAD compares: Middle Eastern, 0.016%; no homozygotes.

Submissions (3):

Labcorp Genetics (formerly Invitae), Labcorp
Classification: Uncertain significance for Bardet-Biedl syndrome. Last evaluated: 2023-06-30. Review status: criteria provided, single submitter. Criteria: Invitae Variant Classification Sherloc (09022015). Collection method: clinical testing. Allele origin: germline.
Comment: In summary, the available evidence is currently insufficient to determine the role of this variant in disease. Therefore, it has been classified as a Variant of Uncertain Significance. Algorithms developed to predict the effect of sequence changes on RNA splicing suggest that this variant may disrupt the consensus splice site. Algorithms developed to predict the effect of missense changes on protein structure and function output the following: SIFT: "Not Available"; PolyPhen-2: "Benign"; Align-GVGD: "Not Available". The methionine amino acid residue is found in multiple mammalian species, which suggests that this missense change does not adversely affect protein function. ClinVar contains an entry for this variant (Variation ID: 1419919). This variant has not been reported in the literature in individuals affected with BBS1-related conditions. The frequency data for this variant in the population databases is considered unreliable, as metrics indicate poor data quality at this position in the gnomAD database. This sequence change replaces valine, which is neutral and non-polar, with methionine, which is neutral and non-polar, at codon 491 of the BBS1 protein (p.Val491Met).

Fulgent Genetics
Classification: Uncertain significance for Bardet-Biedl syndrome 1. Last evaluated: 2022-02-08. Review status: criteria provided, single submitter. Criteria: ACMG Guidelines, 2015. Collection method: clinical testing. Allele origin: unknown.

PreventionGenetics, part of Exact Sciences
Classification: Uncertain significance for BBS1-related condition. Last evaluated: 2024-05-09. Review status: no assertion criteria provided. Collection method: clinical testing. Allele origin: germline. Not counted in ClinVar's aggregate classification.
Comment: The BBS1 c.1471G>A variant is predicted to result in the amino acid substitution p.Val491Met. To our knowledge, this variant has not been reported in the literature. This variant is reported in 0.0056% of alleles in individuals of East Asian descent in gnomAD. At this time, the clinical significance of this variant is uncertain due to the absence of conclusive functional and genetic evidence.

NM_024649.5(BBS1):c.1471G>A (p.Val491Met)

Genes: BBS1 (Bardet-Biedl syndrome 1; plus strand), ZDHHC24 (zDHHC palmitoyltransferase 24; minus strand). Cytogenetic location: 11q13.2.
Variant type: single nucleotide variant.
Coding change: c.1471G>A on transcript NM_024649.5 (MANE Select); coding-DNA position 1471, G replaced by A.
Protein change: p.Val491Met; replaces valine 491 with methionine.
Molecular consequence: missense variant. On other transcripts: intron variant (1).
Genome position (GRCh38, 1-based): chr11:66,529,950, G>A. VCF-style: chr11-66529950-G-A. GRCh37 (hg19) VCF-style: chr11-66297421-G-A.
Other names: c.560-462C>T (NM_001348571.2); c.1471G>A (NM_024649.4); short protein forms V491M.
Identifiers: ClinVar variation 1419919 (VCV001419919.7), dbSNP rs377469172, ClinGen allele CA6123778.